The following is an entry in ClinVar:

ClinVar aggregate classification (germline): Benign (1 of 4 stars; one submission).

Conditions:
FLNB-Related Spectrum Disorders.

Allele frequency attached by ClinVar (database versions not stated): gnomAD 0.02132 and 0.02294; 1000 Genomes Project 0.02196; TOPMed 0.02450; 1000 Genomes Project 30x 0.02467.

Submission:

Illumina Laboratory Services, Illumina
Classification: Benign for FLNB-Related Spectrum Disorders. Last evaluated: 2018-01-13. Review status: criteria provided, single submitter. Criteria: ICSL Variant Classification Criteria 13 December 2019. Collection method: clinical testing. Allele origin: germline.
Comment: This variant was observed in the ICSL laboratory as part of a predisposition screen in an ostensibly healthy population. It had not been previously curated by ICSL or reported in the Human Gene Mutation Database (HGMD: prior to June 1st, 2018), and was therefore a candidate for classification through an automated scoring system. Utilizing variant allele frequency, disease prevalence and penetrance estimates, and inheritance mode, an automated score was calculated to assess if this variant is too frequent to cause the disease. Based on the score and internal cut-off values, a variant classified as benign is not then subjected to further curation. The score for this variant resulted in a classification of benign for this disease.

NM_001457.4(FLNB):c.*1217G>A

Gene: FLNB (filamin B; plus strand). Cytogenetic location: 3p14.3.
Variant type: single nucleotide variant.
Coding change: c.*1217G>A on transcript NM_001457.4 (MANE Select); 1217 bases downstream of the stop codon, G replaced by A.
Molecular consequence: 3 prime UTR variant.
Genome position (GRCh38, 1-based): chr3:58,171,979, G>A. VCF-style: chr3-58171979-G-A. GRCh37 (hg19) VCF-style: chr3-58157706-G-A.
Other names: c.*1217G>A (NM_001164317.2, NM_001164318.2, NM_001164319.2).
Identifiers: ClinVar variation 346387 (VCV000346387.5), dbSNP rs1131312, ClinGen allele CA10617221.